The following is an entry in ClinVar:

ClinVar aggregate classification (germline): Uncertain significance (1 of 4 stars; one submission).

Conditions:
Intellectual disability, autosomal recessive 53 (NEDHSCA). Also called: GLYCOSYLPHOSPHATIDYLINOSITOL BIOSYNTHESIS DEFECT 13; Mental retardation, autosomal recessive 53; NEURODEVELOPMENTAL DISORDER WITH OR WITHOUT HYPOTONIA, SEIZURES, AND CEREBELLAR ATROPHY. Identifiers: Orphanet 488635, MedGen C4310794, MONDO:0014832, OMIM 616917.

gnomAD v4.1: 3 of 1,614,160 alleles (0.00019%); highest among the groups gnomAD compares: African/African-American, 0.004%; no homozygotes.

Submission:

Labcorp Genetics (formerly Invitae), Labcorp
Classification: Uncertain significance for Intellectual disability, autosomal recessive 53. Last evaluated: 2024-02-23. Review status: criteria provided, single submitter. Criteria: Invitae Variant Classification Sherloc (09022015). Collection method: clinical testing. Allele origin: germline.
Comment: This sequence change replaces phenylalanine, which is neutral and non-polar, with leucine, which is neutral and non-polar, at codon 580 of the PIGG protein (p.Phe580Leu). This variant is not present in population databases (gnomAD no frequency). This variant has not been reported in the literature in individuals affected with PIGG-related conditions. ClinVar contains an entry for this variant (Variation ID: 1523754). Advanced modeling of protein sequence and biophysical properties (such as structural, functional, and spatial information, amino acid conservation, physicochemical variation, residue mobility, and thermodynamic stability) performed at Invitae indicates that this missense variant is expected to disrupt PIGG protein function with a positive predictive value of 80%. In summary, the available evidence is currently insufficient to determine the role of this variant in disease. Therefore, it has been classified as a Variant of Uncertain Significance.

NM_001127178.3(PIGG):c.1740C>G (p.Phe580Leu)

Gene: PIGG (phosphatidylinositol glycan anchor biosynthesis class G (EMM blood group); plus strand). Cytogenetic location: 4p16.3.
Variant type: single nucleotide variant.
Coding change: c.1740C>G on transcript NM_001127178.3 (MANE Select); coding-DNA position 1740, C replaced by G.
Protein change: p.Phe580Leu; replaces phenylalanine 580 with leucine.
Molecular consequence: missense variant. On other transcripts: non-coding transcript variant (7).
Genome position (GRCh38, 1-based): chr4:523,584, C>G. VCF-style: chr4-523584-C-G. GRCh37 (hg19) VCF-style: chr4-517373-C-G.
Other names: c.1473C>G, p.Phe491Leu (NM_001289051.2, NM_001345986.2); c.1341C>G, p.Phe447Leu (NM_001289052.2); c.1449C>G, p.Phe483Leu (NM_001345987.2); c.711C>G, p.Phe237Leu (NM_001345988.2); c.207C>G, p.Phe69Leu (NM_001345990.2, NM_001345991.2); c.642C>G, p.Phe214Leu (NM_001345994.2); c.1716C>G, p.Phe572Leu (NM_017733.5); short protein forms F483L, F491L, F572L, F580L, F237L, F69L, F214L, F447L.
Identifiers: ClinVar variation 1523754 (VCV001523754.7), dbSNP rs1361645394, ClinGen allele CA355906987.
Genomic context (GRCh38, chr4:523,584, plus strand): 5'-CCACGTCTTGAGCCTGGGCGCCAGCAGCTTCGTGGAGGAGGAGCACCAGACCTGGTACTT[C>G]CTTGTGAACACCCTGTGTCTAGCTCTGAGCCAAGAAACCTACAGAAACTACTTTCTGGGA-3'
Protein context (NP_001120650.1, residues 570-590): FVEEEHQTWY[Phe580Leu]LVNTLCLALS